The following is an entry in ClinVar:

ClinVar aggregate classification (germline): Uncertain significance (1 of 4 stars; one submission).

Conditions:
DICER1-related tumor predisposition. Also called: DICER1 syndrome; DICER1-related pleuropulmonary blastoma cancer predisposition syndrome. Identifiers: Orphanet 284343, MedGen C3839822, MONDO:0100216.

Submission:

Labcorp Genetics (formerly Invitae), Labcorp
Classification: Uncertain significance for DICER1-related tumor predisposition. Last evaluated: 2022-06-28. Review status: criteria provided, single submitter. Criteria: Invitae Variant Classification Sherloc (09022015). Collection method: clinical testing. Allele origin: germline.
Comment: This variant has not been reported in the literature in individuals affected with DICER1-related conditions. Algorithms developed to predict the effect of missense changes on protein structure and function are either unavailable or do not agree on the potential impact of this missense change (SIFT: "Tolerated"; PolyPhen-2: "Possibly Damaging"; Align-GVGD: "Class C0"). In summary, the available evidence is currently insufficient to determine the role of this variant in disease. Therefore, it has been classified as a Variant of Uncertain Significance. This sequence change replaces aspartic acid, which is acidic and polar, with valine, which is neutral and non-polar, at codon 607 of the DICER1 protein (p.Asp607Val). This variant is not present in population databases (gnomAD no frequency).

NM_177438.3(DICER1):c.1820A>T (p.Asp607Val)

Gene: DICER1 (dicer 1, ribonuclease III; minus strand). Cytogenetic location: 14q32.13.
Variant type: single nucleotide variant.
Coding change: c.1820A>T on transcript NM_177438.3 (MANE Select); coding-DNA position 1820, A replaced by T.
Protein change: p.Asp607Val; replaces aspartic acid 607 with valine.
Molecular consequence: missense variant. On other transcripts: non-coding transcript variant (6).
Genome position (GRCh38, 1-based): chr14:95,115,754, T>A on the plus strand (A>T on the coding strand, the complement: DICER1 is on the minus strand). VCF-style: chr14-95115754-T-A. GRCh37 (hg19) VCF-style: chr14-95582091-T-A.
Other names: c.1820A>T, p.Asp607Val (NM_001195573.1, NM_001271282.3, NM_001291628.2 and 13 more transcripts); c.1538A>T, p.Asp513Val (NM_001395686.1); c.1415A>T, p.Asp472Val (NM_001395687.1, NM_001395688.1, NM_001395689.1 and 3 more transcripts); c.1253A>T, p.Asp418Val (NM_001395691.1); c.137A>T, p.Asp46Val (NM_001395697.1); short protein forms D472V, D513V, D607V, D418V, D46V.
Identifiers: ClinVar variation 2011822 (VCV002011822.4), dbSNP rs2543004350, ClinGen allele CA390884060.
Genomic context (GRCh38, chr14:95,115,754, plus strand): 5'-ATTGTGACTCGTGGACCACCATCGTCAGGCCTCAACACATATGGTGGGAAAACGTCATCA[T>A]CATCCATGACAGGATCAATGTCAGTCTCACCAGTATCAACCGACTTGGAACACTTGTTTC-3'
Protein context (NP_803187.1, residues 597-617): GETDIDPVMD[Asp607Val]DDVFPPYVLR